The following is an entry in ClinVar:

ClinVar aggregate classification (germline): Uncertain significance. Review status: criteria provided, multiple submitters, no conflicts (2 of 4 stars). 2 submissions from 2 submitters: Uncertain significance (2). Last evaluated 2026-07-09.

Conditions:
RASopathy. Also called: Noonan spectrum disorder; rasopathies. Identifiers: Orphanet 536391, MedGen C5555857, MONDO:0021060.
Cardiovascular phenotype. Identifiers: MedGen CN230736.

Allele frequency attached by ClinVar (database versions not stated): gnomAD exomes 0.00001.
gnomAD v4.1: 9 of 1,613,248 alleles (0.00056%); highest among the groups gnomAD compares: Non-Finnish European, 0.00076%; no homozygotes.

Submissions (2):

Ambry Genetics
Classification: Uncertain significance for Cardiovascular phenotype. Last evaluated: 2026-07-09. Review status: criteria provided, single submitter. Criteria: Ambry Variant Classification Scheme 2023. Collection method: clinical testing. Allele origin: germline.
Comment: The p.I161T variant (also known as c.482T>C), located in coding exon 4 of the MAP2K1 gene, results from a T to C substitution at nucleotide position 482. The isoleucine at codon 161 is replaced by threonine, an amino acid with similar properties. This amino acid position is conserved. In addition, this alteration is predicted to be deleterious by in silico analysis. Based on the available evidence, the clinical significance of this variant remains unclear.

Labcorp Genetics (formerly Invitae), Labcorp
Classification: Uncertain significance for RASopathy. Last evaluated: 2024-10-29. Review status: criteria provided, single submitter. Criteria: Invitae Variant Classification Sherloc (09022015). Collection method: clinical testing. Allele origin: germline.
Comment: This sequence change replaces isoleucine, which is neutral and non-polar, with threonine, which is neutral and polar, at codon 161 of the MAP2K1 protein (p.Ile161Thr). This variant is not present in population databases (gnomAD no frequency). This variant has not been reported in the literature in individuals affected with MAP2K1-related conditions. ClinVar contains an entry for this variant (Variation ID: 1061846). Invitae Evidence Modeling of protein sequence and biophysical properties (such as structural, functional, and spatial information, amino acid conservation, physicochemical variation, residue mobility, and thermodynamic stability) indicates that this missense variant is expected to disrupt MAP2K1 protein function with a positive predictive value of 95%. In summary, the available evidence is currently insufficient to determine the role of this variant in disease. Therefore, it has been classified as a Variant of Uncertain Significance.

NM_002755.4(MAP2K1):c.482T>C (p.Ile161Thr)

Gene: MAP2K1 (mitogen-activated protein kinase kinase 1; plus strand). Cytogenetic location: 15q22.31.
Variant type: single nucleotide variant.
Coding change: c.482T>C on transcript NM_002755.4 (MANE Select); coding-DNA position 482, T replaced by C.
Protein change: p.Ile161Thr; replaces isoleucine 161 with threonine.
Molecular consequence: missense variant.
Genome position (GRCh38, 1-based): chr15:66,443,323, T>C. VCF-style: chr15-66443323-T-C. GRCh37 (hg19) VCF-style: chr15-66735661-T-C.
Other names: c.482T>C (NM_002755.3); short protein forms I161T.
Identifiers: ClinVar variation 1061846 (VCV001061846.10), dbSNP rs2140598095, ClinGen allele CA392931879.